The following is an entry in ClinVar:

NM_000264.5(PTCH1):c.2728G>A (p.Ala910Thr)

Gene: PTCH1 (patched 1; minus strand). Cytogenetic location: 9q22.32.
Variant type: single nucleotide variant.
Coding change: c.2728G>A on transcript NM_000264.5 (MANE Select); coding-DNA position 2728, G replaced by A.
Protein change: p.Ala910Thr; replaces alanine 910 with threonine.
Molecular consequence: missense variant. On other transcripts: non-coding transcript variant (1).
Genome position (GRCh38, 1-based): chr9:95,459,759, C>T on the plus strand (G>A on the coding strand, the complement: PTCH1 is on the minus strand). VCF-style: chr9-95459759-C-T. GRCh37 (hg19) VCF-style: chr9-98222041-C-T.
Other names: c.2530G>A, p.Ala844Thr (NM_001083602.3); c.2725G>A, p.Ala909Thr (NM_001083603.3); c.2275G>A, p.Ala759Thr (NM_001083604.3, NM_001083605.3, NM_001083606.3 and 1 more transcripts); c.2572G>A, p.Ala858Thr (NM_001354918.2); short protein forms A759T, A844T, A858T, A909T, A910T.
Identifiers: ClinVar variation 3230991 (VCV003230991.1), dbSNP rs761127231, ClinGen allele CA5138332.

ClinVar aggregate classification (germline): Uncertain significance (1 of 4 stars; one submission).

Conditions:
Hereditary cancer-predisposing syndrome. Also called: Neoplastic Syndromes, Hereditary; Tumor predisposition; Hereditary neoplastic syndrome; Hereditary Cancer Syndrome. Identifiers: Orphanet 140162, MedGen C0027672, MeSH D009386, MONDO:0015356.

Allele frequency attached by ClinVar (database versions not stated): gnomAD 0.00001; gnomAD exomes 0.00001; ExAC 0.00002.
gnomAD v4.1: 6 of 1,614,100 alleles (0.00037%); highest among the groups gnomAD compares: South Asian, 0.0044%; no homozygotes.

Submission:

Ambry Genetics
Classification: Uncertain significance for Hereditary cancer-predisposing syndrome. Last evaluated: 2024-01-29. Review status: criteria provided, single submitter. Criteria: Ambry Variant Classification Scheme 2023. Collection method: clinical testing. Allele origin: germline.
Comment: The p.A910T variant (also known as c.2728G>A), located in coding exon 17 of the PTCH1 gene, results from a G to A substitution at nucleotide position 2728. The alanine at codon 910 is replaced by threonine, an amino acid with similar properties. This amino acid position is highly conserved in available vertebrate species. In addition, the in silico prediction for this alteration is inconclusive. Based on the available evidence, the clinical significance of this alteration remains unclear.